The following is an entry in ClinVar:

ClinVar aggregate classification (germline): Benign. Review status: criteria provided, multiple submitters, no conflicts (2 of 4 stars). 2 submissions from 2 submitters: Benign (2). Last evaluated 2021-02-25.

Allele frequency attached by ClinVar (database versions not stated): gnomAD exomes 0.01119 and 0.03287; ESP Exome Variant Server 0.02099; gnomAD 0.02972 and 0.03125; ExAC 0.03100; TOPMed 0.03435; 1000 Genomes Project 30x 0.07277; 1000 Genomes Project 0.07348.
gnomAD v4.1: 21,837 of 1,614,098 alleles (1.4%); highest among the groups gnomAD compares: East Asian, 21%; 1,373 homozygotes.

Submissions (2):

GeneDx
Classification: Benign. Last evaluated: 2021-02-25. Review status: criteria provided, single submitter. Criteria: GeneDx Variant Classification Process June 2021. Collection method: clinical testing. Allele origin: germline. Affected: yes.
Comment: This variant is associated with the following publications: (PMID: 26584823)

Breakthrough Genomics
Classification: Benign. Review status: criteria provided, single submitter. Criteria: ACMG Guidelines, 2015. Collection method: not provided. Allele origin: germline. Inheritance: Unknown mechanism. Affected: yes.

NM_014466.3(TEKT2):c.136C>T (p.Arg46Cys)

Gene: TEKT2 (tektin 2; plus strand). Cytogenetic location: 1p34.3.
Variant type: single nucleotide variant.
Coding change: c.136C>T on transcript NM_014466.3 (MANE Select); coding-DNA position 136, C replaced by T.
Protein change: p.Arg46Cys; replaces arginine 46 with cysteine.
Molecular consequence: missense variant.
Genome position (GRCh38, 1-based): chr1:36,085,057, C>T. VCF-style: chr1-36085057-C-T. GRCh37 (hg19) VCF-style: chr1-36550658-C-T.
Other names: short protein forms R46C.
Identifiers: ClinVar variation 1244486 (VCV001244486.3), dbSNP rs12043423, ClinGen allele CA764036.